The following is an entry in ClinVar:

NM_000458.4(HNF1B):c.704G>A (p.Arg235Gln)

Genes: HNF1B (HNF1 homeobox B; minus strand), LOC126862549 (BRD4-independent group 4 enhancer GRCh37_chr17:36093401-36094600; plus strand). Cytogenetic location: 17q12.
Variant type: single nucleotide variant.
Coding change: c.704G>A on transcript NM_000458.4 (MANE Select); coding-DNA position 704, G replaced by A.
Protein change: p.Arg235Gln; replaces arginine 235 with glutamine.
Molecular consequence: missense variant.
Genome position (GRCh38, 1-based): chr17:37,733,662, C>T on the plus strand (G>A on the coding strand, the complement: HNF1B is on the minus strand). VCF-style: chr17-37733662-C-T. GRCh37 (hg19) VCF-style: chr17-36093655-C-T.
Other names: c.626G>A, p.Arg209Gln (NM_001165923.4, NM_001304286.2); short protein forms R235Q, R209Q.
Identifiers: ClinVar variation 635664 (VCV000635664.9), dbSNP rs2033752564, ClinGen allele CA398748623.

ClinVar aggregate classification (germline): Conflicting classifications of pathogenicity. Review status: criteria provided, conflicting classifications (1 of 4 stars). 5 submissions from 5 submitters: Likely pathogenic (4); Uncertain significance (1). Last evaluated 2025-08-14.

Conditions:
Renal cysts and diabetes syndrome (RCAD). Also called: Familial hypoplastic, glomerulocystic kidney; MATURITY-ONSET DIABETES OF THE YOUNG, TYPE 5. Identifiers: Orphanet 93111, MedGen C0431693, MONDO:0007669, OMIM 137920.
Autosomal dominant HNF1B-related disorders.

Allele frequency attached by ClinVar (database versions not stated): gnomAD exomes below 0.00001.
gnomAD v4.1: 2 of 1,614,112 alleles (0.00012%); highest among the groups gnomAD compares: Non-Finnish European, 0.000085%; no homozygotes.

Submissions (5):

Variantyx, Inc.
Classification: Likely pathogenic for Autosomal dominant HNF1B-related disorders. Last evaluated: 2025-08-14. Review status: criteria provided, single submitter. Criteria: Variantyx Assertion Criteria 2022. Collection method: clinical testing. Allele origin: de novo. Inheritance: Autosomal dominant inheritance. Affected: yes.
Comment: This is a nonsynonymous variant in the HNF1B gene (OMIM: 189907). Pathogenic variants in this gene have been associated with autosomal dominant HNF1B-related disorders. This variant has been reported in at least 4 unrelated affected individuals (PMID: 16249435, 31291970, 36294752, 39156164) (PS4_Moderate), and it likely occurred de novo in an individual reported in the published literature; however, the possibility of parental germline mosaicism cannot be excluded (PMID: 35733065 ) (PS2_Supporting). The alteration lies within a known hotspot for pathogenic variants or a well-established critical functional domain of the HNF1B protein (PMID: 17924661) (PM1), and multiple computational algorithms predict a deleterious effect for this variant (REVEL score: 0.955) (PP3). This variant has a 0.0003% maximum allele frequency in non-founder control populations (PM2). Based on the current evidence, this variant is classified as likely pathogenic for autosomal dominant HNF1B-related disorders.

GeneDx
Classification: Likely pathogenic. Last evaluated: 2025-06-24. Review status: criteria provided, single submitter. Criteria: GeneDx Variant Classification Process June 2021. Collection method: clinical testing. Allele origin: germline. Affected: yes.
Comment: Not observed in large population cohorts (gnomAD); In silico analysis supports that this missense variant has a deleterious effect on protein structure/function; This variant is associated with the following publications: (PMID: 16249435, 25700310, 25536396, 22432796, 35733065, 31291970, 36294752, 17924661)

Labcorp Genetics (formerly Invitae), Labcorp
Classification: Likely pathogenic. Last evaluated: 2024-05-20. Review status: criteria provided, single submitter. Criteria: Invitae Variant Classification Sherloc (09022015). Collection method: clinical testing. Allele origin: germline.
Comment: This sequence change replaces arginine, which is basic and polar, with glutamine, which is neutral and polar, at codon 235 of the HNF1B protein (p.Arg235Gln). This variant is not present in population databases (gnomAD no frequency). This missense change has been observed in individual(s) with maturity-onset diabetes of the young (PMID: 16249435, 31291970, 35733065). In at least one individual the variant was observed to be de novo. ClinVar contains an entry for this variant (Variation ID: 635664). Advanced modeling of protein sequence and biophysical properties (such as structural, functional, and spatial information, amino acid conservation, physicochemical variation, residue mobility, and thermodynamic stability) has been performed at Invitae for this missense variant, however the output from this modeling did not meet the statistical confidence thresholds required to predict the impact of this variant on HNF1B protein function. In summary, the currently available evidence indicates that the variant is pathogenic, but additional data are needed to prove that conclusively. Therefore, this variant has been classified as Likely Pathogenic.

Athena Diagnostics
Classification: Uncertain significance. Last evaluated: 2021-09-27. Review status: criteria provided, single submitter. Criteria: Athena Diagnostics Criteria. Collection method: clinical testing. Allele origin: unknown.

Institute of Human Genetics, FAU Erlangen, Friedrich-Alexander-Universität Erlangen-Nürnberg
Classification: Likely pathogenic for Renal cysts and diabetes syndrome. Last evaluated: 2019-07-06. Review status: criteria provided, single submitter. Criteria: ACMG Guidelines, 2015. Collection method: literature only. Allele origin: germline. Affected: yes.
Comment: This variant and it's classification has been reported by Vasileiou et al. 2019; DOI:10.1101/576918. The variants has previously been reported in PMID:25700310; PMID:16249435; PMID:22432796; PMID:25536396 as "c.704G>A; c.704G>A" with clinical significance Pathogenic. It has been re-classified using InterVar and manual curation as Likely pathogenic based on PM1 PM2 PM5 PP3 PP5.

Literature cited by the submitters: PubMed 17924661 (cited by Variantyx, Inc.); PubMed 16249435 (cited by 4 submitters); PubMed 31291970 (cited by Variantyx, Inc. and Labcorp Genetics (formerly Invitae), Labcorp); PubMed 36294752 (cited by Variantyx, Inc.); PubMed 39156164 (cited by Variantyx, Inc.); PubMed 35733065 (cited by Variantyx, Inc. and Labcorp Genetics (formerly Invitae), Labcorp); PubMed 22432796 (cited by Athena Diagnostics and Institute of Human Genetics, FAU Erlangen, Friedrich-Alexander-Universität Erlangen-Nürnberg); PubMed 25536396 (cited by Athena Diagnostics and Institute of Human Genetics, FAU Erlangen, Friedrich-Alexander-Universität Erlangen-Nürnberg); PubMed 28215227 (cited by Athena Diagnostics); PubMed 25700310 (cited by Institute of Human Genetics, FAU Erlangen, Friedrich-Alexander-Universität Erlangen-Nürnberg); DOI 10.1101/576918 (cited by Institute of Human Genetics, FAU Erlangen, Friedrich-Alexander-Universität Erlangen-Nürnberg).